The following is an entry in ClinVar:

NM_002519.3(NPAT):c.1958C>T (p.Ala653Val)

Gene: NPAT (nuclear protein, coactivator of histone transcription; minus strand). Cytogenetic location: 11q22.3.
Variant type: single nucleotide variant.
Coding change: c.1958C>T on transcript NM_002519.3 (MANE Select); coding-DNA position 1958, C replaced by T.
Protein change: p.Ala653Val; replaces alanine 653 with valine.
Molecular consequence: missense variant.
Genome position (GRCh38, 1-based): chr11:108,173,026, G>A on the plus strand (C>T on the coding strand, the complement: NPAT is on the minus strand). VCF-style: chr11-108173026-G-A. GRCh37 (hg19) VCF-style: chr11-108043753-G-A.
Other names: c.1958C>T, p.Ala653Val (NM_001321307.1); short protein forms A653V.
Identifiers: ClinVar variation 2496681 (VCV002496681.2), dbSNP rs755872803, ClinGen allele CA6263914.
Genomic context (GRCh38, chr11:108,173,026, plus strand): 5'-AAAATAGTATTCTCTTCTTTTACAGAAGATGAAGGCTCCTGTGAATTCTCAGACTTGGAT[G>A]CCTGAGCTTCATTTTCTGTATGATTTAACTCAACAGATGCTGAATCATTAGATGGTTGTT-3'
Protein context (NP_002510.2, residues 643-663): ELNHTENEAQ[Ala653Val]SKSENSQEPS

ClinVar aggregate classification (germline): Uncertain significance (1 of 4 stars; one submission).

Allele frequency attached by ClinVar (database versions not stated): ExAC 0.00001; gnomAD exomes 0.00001.
gnomAD v4.1: 4 of 1,613,898 alleles (0.00025%); highest among the groups gnomAD compares: South Asian, 0.0011%; no homozygotes.

Submission:

Ambry Genetics
Classification: Uncertain significance. Last evaluated: 2023-02-15. Review status: criteria provided, single submitter. Criteria: Ambry Variant Classification Scheme 2023. Collection method: clinical testing. Allele origin: germline.
Comment: The p.A653V variant (also known as c.1958C>T), located in coding exon 13 of the NPAT gene, results from a C to T substitution at nucleotide position 1958. The alanine at codon 653 is replaced by valine, an amino acid with similar properties. This amino acid position is conserved. In addition, this alteration is predicted to be tolerated by in silico analysis. Since supporting evidence is limited at this time, the clinical significance of this alteration remains unclear.